The following is an entry in ClinVar:

ClinVar aggregate classification (germline): Uncertain significance (1 of 4 stars; one submission).

Submission:

Labcorp Genetics (formerly Invitae), Labcorp
Classification: Uncertain significance. Last evaluated: 2025-07-02. Review status: criteria provided, single submitter. Criteria: Invitae Variant Classification Sherloc (09022015). Collection method: clinical testing. Allele origin: germline.
Comment: This sequence change replaces alanine, which is neutral and non-polar, with serine, which is neutral and polar, at codon 516 of the LZTR1 protein (p.Ala516Ser). This variant is not present in population databases (gnomAD no frequency). This variant has not been reported in the literature in individuals affected with LZTR1-related conditions. Invitae Evidence Modeling of protein sequence and biophysical properties (such as structural, functional, and spatial information, amino acid conservation, physicochemical variation, residue mobility, and thermodynamic stability) indicates that this missense variant is not expected to disrupt LZTR1 protein function with a negative predictive value of 80%. In summary, the available evidence is currently insufficient to determine the role of this variant in disease. Therefore, it has been classified as a Variant of Uncertain Significance.

NM_006767.4(LZTR1):c.1546G>T (p.Ala516Ser)

Gene: LZTR1 (leucine zipper like post translational regulator 1; plus strand). Cytogenetic location: 22q11.21.
Variant type: single nucleotide variant.
Coding change: c.1546G>T on transcript NM_006767.4 (MANE Select); coding-DNA position 1546, G replaced by T.
Protein change: p.Ala516Ser; replaces alanine 516 with serine.
Molecular consequence: missense variant.
Genome position (GRCh38, 1-based): chr22:20,994,200, G>T. VCF-style: chr22-20994200-G-T. GRCh37 (hg19) VCF-style: chr22-21348489-G-T.
Other names: short protein forms A516S.
Identifiers: ClinVar variation 4744472 (VCV004744472.1).